The following is an entry in ClinVar:

NM_001006658.3(CR2):c.658C>T (p.Arg220Ter)

Gene: CR2 (complement C3d receptor 2; plus strand). Cytogenetic location: 1q32.2.
Variant type: single nucleotide variant.
Coding change: c.658C>T on transcript NM_001006658.3 (MANE Select); coding-DNA position 658, C replaced by T.
Protein change: p.Arg220Ter; replaces arginine 220 with a stop codon.
Molecular consequence: nonsense.
Genome position (GRCh38, 1-based): chr1:207,468,823, C>T. VCF-style: chr1-207468823-C-T. GRCh37 (hg19) VCF-style: chr1-207642168-C-T.
Other names: c.658C>T, p.Arg220Ter (NM_001877.5); short protein forms R220*.
Identifiers: ClinVar variation 932909 (VCV000932909.11), dbSNP rs141472681, ClinGen allele CA1368503.

ClinVar aggregate classification (germline): Conflicting classifications of pathogenicity. Review status: criteria provided, conflicting classifications (1 of 4 stars). 4 submissions from 4 submitters: Pathogenic (1); Likely pathogenic (2); Uncertain significance (1). Last evaluated 2025-10-05.

Conditions:
CR2-related disorder. Also called: CR2-related condition; CR2-related disorders.
Immunodeficiency, common variable, 7. Identifiers: Orphanet 1572, Orphanet 696894, MedGen C3542922, MONDO:0013862, OMIM 614699.

Allele frequency attached by ClinVar (database versions not stated): TOPMed 0.00003; gnomAD exomes 0.00004; gnomAD 0.00005 and 0.00006; ExAC 0.00006; ESP Exome Variant Server 0.00023.
gnomAD v4.1: 62 of 1,613,838 alleles (0.0038%); highest among the groups gnomAD compares: Non-Finnish European, 0.0046%; no homozygotes.

Submissions (4):

Labcorp Genetics (formerly Invitae), Labcorp
Classification: Pathogenic for Immunodeficiency, common variable, 7. Last evaluated: 2025-10-05. Review status: criteria provided, single submitter. Criteria: Invitae Variant Classification Sherloc (09022015). Collection method: clinical testing. Allele origin: germline.
Comment: This sequence change creates a premature translational stop signal (p.Arg220*) in the CR2 gene. It is expected to result in an absent or disrupted protein product. Loss-of-function variants in CR2 are known to be pathogenic (PMID: 26325596, 28499783). This variant is present in population databases (rs141472681, gnomAD 0.008%). This variant has not been reported in the literature in individuals affected with CR2-related conditions. ClinVar contains an entry for this variant (Variation ID: 932909). For these reasons, this variant has been classified as Pathogenic.

PreventionGenetics, part of Exact Sciences
Classification: Likely pathogenic for CR2-related condition. Last evaluated: 2025-01-22. Review status: criteria provided, single submitter. Criteria: ACMG Guidelines, 2015. Collection method: clinical testing. Allele origin: germline.
Comment: The CR2 c.658C>T variant is predicted to result in premature protein termination (p.Arg220*). To our knowledge, this variant has not been reported in the literature. This variant is reported in 0.0080% of alleles in individuals of African descent in gnomAD. Nonsense variants in CR2 are expected to be pathogenic. This variant is interpreted as likely pathogenic.

Blueprint Genetics
Classification: Likely pathogenic for CR2-related disorders. Last evaluated: 2022-07-12. Review status: criteria provided, single submitter. Criteria: ACMG Guidelines, 2015. Collection method: clinical testing. Allele origin: germline. Affected: yes. Observed: 3 variant alleles.

Johns Hopkins Genomics, Johns Hopkins University
Classification: Uncertain significance for Immunodeficiency, common variable, 7. Last evaluated: 2020-01-09. Review status: criteria provided, single submitter. Criteria: ACMG Guidelines, 2015. Collection method: clinical testing. Allele origin: germline.

Literature cited by the submitters: PubMed 26325596 (cited by Labcorp Genetics (formerly Invitae), Labcorp); PubMed 28499783 (cited by Labcorp Genetics (formerly Invitae), Labcorp).